The following is an entry in ClinVar:

NM_198253.3(TERT):c.1813G>C (p.Glu605Gln)

Gene: TERT (telomerase reverse transcriptase; minus strand). Cytogenetic location: 5p15.33.
Variant type: single nucleotide variant.
Coding change: c.1813G>C on transcript NM_198253.3 (MANE Select); coding-DNA position 1813, G replaced by C.
Protein change: p.Glu605Gln; replaces glutamic acid 605 with glutamine.
Molecular consequence: missense variant. On other transcripts: non-coding transcript variant (2).
Genome position (GRCh38, 1-based): chr5:1,280,295, C>G on the plus strand (G>C on the coding strand, the complement: TERT is on the minus strand). VCF-style: chr5-1280295-C-G. GRCh37 (hg19) VCF-style: chr5-1280410-C-G.
Other names: c.1813G>C, p.Glu605Gln (NM_001193376.3); short protein forms E605Q.
Identifiers: ClinVar variation 5030674 (VCV005030674.1).

ClinVar aggregate classification (germline): Uncertain significance (1 of 4 stars; one submission).

Conditions:
Dyskeratosis congenita. Identifiers: Orphanet 1775, MedGen C0265965, MONDO:0015780.

Submission:

Ambry Genetics
Classification: Uncertain significance for Dyskeratosis congenita. Last evaluated: 2026-09-14. Review status: criteria provided, single submitter. Criteria: Ambry Variant Classification Scheme 2023. Collection method: clinical testing. Allele origin: germline.
Comment: The p.E605Q variant (also known as c.1813G>C), located in coding exon 4 of the TERT gene, results from a G to C substitution at nucleotide position 1813. The glutamic acid at codon 605 is replaced by glutamine, an amino acid with highly similar properties. This amino acid position is conserved. In addition, the in silico prediction for this alteration is inconclusive. Based on the available evidence, the clinical significance of this variant remains unclear.